The following is an entry in ClinVar:

ClinVar aggregate classification (germline): Likely pathogenic (1 of 4 stars; one submission).

Submission:

Labcorp Genetics (formerly Invitae), Labcorp
Classification: Likely pathogenic. Last evaluated: 2022-04-07. Review status: criteria provided, single submitter. Criteria: Invitae Variant Classification Sherloc (09022015). Collection method: clinical testing. Allele origin: germline.
Comment: In summary, the currently available evidence indicates that the variant is pathogenic, but additional data are needed to prove that conclusively. Therefore, this variant has been classified as Likely Pathogenic. Algorithms developed to predict the effect of sequence changes on RNA splicing suggest that this variant may create or strengthen a splice site. This variant has not been reported in the literature in individuals affected with PEPD-related conditions. This variant is not present in population databases (gnomAD no frequency). This sequence change affects a donor splice site in intron 10 of the PEPD gene. It is expected to disrupt RNA splicing. Variants that disrupt the donor or acceptor splice site typically lead to a loss of protein function (PMID: 16199547), and loss-of-function variants in PEPD are known to be pathogenic (PMID: 8198124, 10721675, 12384772, 17142620).

Literature cited by the submitters: PubMed 16199547; PubMed 8198124; PubMed 10721675; PubMed 12384772; PubMed 17142620.

NM_000285.4(PEPD):c.740+2T>C

Gene: PEPD (peptidase D; minus strand). Cytogenetic location: 19q13.11.
Variant type: single nucleotide variant.
Coding change: c.740+2T>C on transcript NM_000285.4 (MANE Select); the canonical splice donor site of the intron after coding-DNA position 740, T replaced by C.
Molecular consequence: splice donor variant.
Genome position (GRCh38, 1-based): chr19:33,413,573, A>G on the plus strand (T>C on the coding strand, the complement: PEPD is on the minus strand). VCF-style: chr19-33413573-A-G. GRCh37 (hg19) VCF-style: chr19-33904479-A-G.
Other names: c.548+2T>C (NM_001166057.2); c.617+2T>C (NM_001166056.2).
Identifiers: ClinVar variation 2086114 (VCV002086114.4), dbSNP rs1600096061, ClinGen allele CA405221984.